The following is an entry in ClinVar:

NM_032043.3(BRIP1):c.1270A>G (p.Ser424Gly)

Gene: BRIP1 (BRCA1 interacting DNA helicase 1; minus strand). Cytogenetic location: 17q23.2.
Variant type: single nucleotide variant.
Coding change: c.1270A>G on transcript NM_032043.3 (MANE Select); coding-DNA position 1270, A replaced by G.
Protein change: p.Ser424Gly; replaces serine 424 with glycine.
Molecular consequence: missense variant.
Genome position (GRCh38, 1-based): chr17:61,799,170, T>C on the plus strand (A>G on the coding strand, the complement: BRIP1 is on the minus strand). VCF-style: chr17-61799170-T-C. GRCh37 (hg19) VCF-style: chr17-59876531-T-C.
Other names: short protein forms S424G.
Identifiers: ClinVar variation 481626 (VCV000481626.22), dbSNP rs1028779004, ClinGen allele CA292285674.

ClinVar aggregate classification (germline): Uncertain significance. Review status: criteria provided, multiple submitters, no conflicts (2 of 4 stars). 3 submissions from 3 submitters: Uncertain significance (3). Last evaluated 2025-11-23.

Conditions:
Hereditary cancer-predisposing syndrome. Also called: Hereditary neoplastic syndrome; Neoplastic Syndromes, Hereditary; Tumor predisposition; Hereditary Cancer Syndrome. Identifiers: Orphanet 140162, MedGen C0027672, MeSH D009386, MONDO:0015356.
Fanconi anemia complementation group J. Also called: BRIP1-Related Fanconi Anemia. Identifiers: Orphanet 84, MedGen C1836860, MONDO:0012187, OMIM 609054.
Familial cancer of breast. Also called: BREAST CANCER, FAMILIAL; Hereditary breast cancer; hereditary breast carcinoma. Identifiers: Orphanet 227535, MedGen C0346153, MONDO:0016419, OMIM 114480. Disease mechanism: loss of function.

Allele frequency attached by ClinVar (database versions not stated): gnomAD exomes below 0.00001; TOPMed below 0.00001.
gnomAD v4.1: 2 of 1,613,770 alleles (0.00012%); highest among the groups gnomAD compares: Non-Finnish European, 0.00017%; no homozygotes.

Submissions (3):

Labcorp Genetics (formerly Invitae), Labcorp
Classification: Uncertain significance for Familial cancer of breast; Fanconi anemia complementation group J. Last evaluated: 2025-11-23. Review status: criteria provided, single submitter. Criteria: Invitae Variant Classification Sherloc (09022015). Collection method: clinical testing. Allele origin: germline.
Comment: This sequence change replaces serine, which is neutral and polar, with glycine, which is neutral and non-polar, at codon 424 of the BRIP1 protein (p.Ser424Gly). This variant is present in population databases (no rsID available, gnomAD 0.0009%). This variant has not been reported in the literature in individuals affected with BRIP1-related conditions. ClinVar contains an entry for this variant (Variation ID: 481626). Invitae Evidence Modeling of protein sequence and biophysical properties (such as structural, functional, and spatial information, amino acid conservation, physicochemical variation, residue mobility, and thermodynamic stability) indicates that this missense variant is not expected to disrupt BRIP1 protein function with a negative predictive value of 95%. RNA analysis performed to evaluate the impact of this missense change on mRNA splicing indicates it does not significantly alter splicing (internal data). In summary, the available evidence is currently insufficient to determine the role of this variant in disease. Therefore, it has been classified as a Variant of Uncertain Significance.

Ambry Genetics
Classification: Uncertain significance for Hereditary cancer-predisposing syndrome. Last evaluated: 2024-05-19. Review status: criteria provided, single submitter. Criteria: Ambry Variant Classification Scheme 2023. Collection method: clinical testing. Allele origin: germline.
Comment: The p.S424G variant (also known as c.1270A>G), located in coding exon 8 of the BRIP1 gene, results from an A to G substitution at nucleotide position 1270. The serine at codon 424 is replaced by glycine, an amino acid with similar properties. This amino acid position is not well conserved in available vertebrate species. In addition, this alteration is predicted to be tolerated by in silico analysis. Since supporting evidence is limited at this time, the clinical significance of this alteration remains unclear.

Color Diagnostics, LLC DBA Color Health
Classification: Uncertain significance for Hereditary cancer-predisposing syndrome. Last evaluated: 2023-12-05. Review status: criteria provided, single submitter. Criteria: ACMG Guidelines, 2015. Collection method: clinical testing. Allele origin: germline.
Comment: This missense variant replaces serine with glycine at codon 424 of the BRIP1 protein. Computational prediction suggests that this variant may not impact protein structure and function (internally defined REVEL score threshold <= 0.5, PMID: 27666373). To our knowledge, functional studies have not been reported for this variant. This variant has not been reported in individuals affected with BRIP1-related disorders in the literature. This variant has been identified in 1/251230 chromosomes in the general population by the Genome Aggregation Database (gnomAD). The available evidence is insufficient to determine the role of this variant in disease conclusively. Therefore, this variant is classified as a Variant of Uncertain Significance.